The following is an entry in ClinVar:

ClinVar aggregate classification (germline): Conflicting classifications of pathogenicity. Review status: criteria provided, conflicting classifications (1 of 4 stars). 9 submissions from 9 submitters: Uncertain significance (2); Benign (4); Likely benign (3). Last evaluated 2026-06-01.

Conditions:
Periventricular heterotopia with microcephaly, autosomal recessive (ARPHM). Also called: PERIVENTRICULAR NODULAR HETEROTOPIA 2; Periventricular heterotopia with microcephaly. Identifiers: Orphanet 2149, MedGen C1842563, MONDO:0011966, OMIM 608097.

Allele frequency attached by ClinVar (database versions not stated): 1000 Genomes Project 30x 0.00141; 1000 Genomes Project 0.00160; ExAC 0.00222; gnomAD exomes 0.00222 and 0.00420; gnomAD 0.00223 and 0.00230; TOPMed 0.00254; ESP Exome Variant Server 0.00308.
gnomAD v4.1: 6,558 of 1,614,020 alleles (0.41%); highest among the groups gnomAD compares: Non-Finnish European, 0.49%; 21 homozygotes.

Submissions (9):

CeGaT Center for Human Genetics Tuebingen
Classification: Likely benign. Last evaluated: 2026-06-01. Review status: criteria provided, single submitter. Criteria: CeGaT Center For Human Genetics Tuebingen Variant Classification Criteria Version 2. Collection method: clinical testing. Allele origin: germline. Affected: yes. Observed: 14 variant alleles.
Comment: ARFGEF2: BP4, BP7, BS2

Labcorp Genetics (formerly Invitae), Labcorp
Classification: Benign. Last evaluated: 2026-01-01. Review status: criteria provided, single submitter. Criteria: Invitae Variant Classification Sherloc (09022015). Collection method: clinical testing. Allele origin: germline.

Blueprint Genetics
Classification: Likely benign. Last evaluated: 2024-11-26. Review status: criteria provided, single submitter. Criteria: ACMG Guidelines, 2015. Collection method: clinical testing. Allele origin: germline.

ARUP Laboratories, Molecular Genetics and Genomics, ARUP Laboratories
Classification: Likely benign for Periventricular heterotopia with microcephaly, autosomal recessive. Last evaluated: 2024-08-09. Review status: criteria provided, single submitter. Criteria: ARUP Molecular Germline Variant Investigation Process 2024. Collection method: clinical testing. Allele origin: germline.

Athena Diagnostics
Classification: Benign. Last evaluated: 2024-04-05. Review status: criteria provided, single submitter. Criteria: Athena Diagnostics Criteria. Collection method: clinical testing. Allele origin: unknown.

Illumina Laboratory Services, Illumina
Classification: Uncertain significance for Periventricular heterotopia with microcephaly, autosomal recessive. Last evaluated: 2018-01-12. Review status: criteria provided, single submitter. Criteria: ICSL Variant Classification Criteria 13 December 2019. Collection method: clinical testing. Allele origin: germline.

GeneDx
Classification: Benign. Last evaluated: 2015-07-20. Review status: criteria provided, single submitter. Criteria: GeneDx Variant Classification (06012015). Collection method: clinical testing. Allele origin: germline. Affected: yes.
Comment: This variant is considered likely benign or benign based on one or more of the following criteria: it is a conservative change, it occurs at a poorly conserved position in the protein, it is predicted to be benign by multiple in silico algorithms, and/or has population frequency not consistent with disease.

Eurofins Ntd Llc (ga)
Classification: Uncertain significance. Last evaluated: 2014-11-22. Review status: criteria provided, single submitter. Criteria: EGL Classification Definitions 2015. Collection method: clinical testing. Allele origin: germline. Observed: 2 variant alleles, 2 heterozygotes.

Genetic Services Laboratory, University of Chicago
Classification: Benign for AllHighlyPenetrant. Last evaluated: 2013-10-25. Review status: criteria provided, single submitter. Criteria: ACMG Guidelines, 2007. Collection method: clinical testing. Allele origin: germline. Inheritance: Autosomal recessive inheritance.

NM_006420.3(ARFGEF2):c.807C>T (p.Asp269=)

Gene: ARFGEF2 (ARF guanine nucleotide exchange factor 2; plus strand). Cytogenetic location: 20q13.13.
Variant type: single nucleotide variant.
Coding change: c.807C>T on transcript NM_006420.3 (MANE Select); coding-DNA position 807, C replaced by T.
Protein change: p.Asp269=; no amino-acid change (aspartic acid 269 retained).
Molecular consequence: synonymous variant.
Genome position (GRCh38, 1-based): chr20:48,953,759, C>T. VCF-style: chr20-48953759-C-T. GRCh37 (hg19) VCF-style: chr20-47570296-C-T.
Identifiers: ClinVar variation 128445 (VCV000128445.63), dbSNP rs149172723, ClinGen allele CA151898.